The following is an entry in ClinVar:

NM_021954.4(GJA3):c.*47A>G

Gene: GJA3 (gap junction protein alpha 3; minus strand). Cytogenetic location: 13q12.11.
Variant type: single nucleotide variant.
Coding change: c.*47A>G on transcript NM_021954.4 (MANE Select); 47 bases downstream of the stop codon, A replaced by G.
Molecular consequence: 3 prime UTR variant.
Genome position (GRCh38, 1-based): chr13:20,141,934, T>C on the plus strand (A>G on the coding strand, the complement: GJA3 is on the minus strand). VCF-style: chr13-20141934-T-C. GRCh37 (hg19) VCF-style: chr13-20716073-T-C.
Identifiers: ClinVar variation 311331 (VCV000311331.6), dbSNP rs75630774, ClinGen allele CA6903973.

ClinVar aggregate classification (germline): Benign/Likely benign. Review status: criteria provided, multiple submitters, no conflicts (2 of 4 stars). 2 submissions from 2 submitters: Benign (1); Likely benign (1). Last evaluated 2020-02-24.

Conditions:
Cataract 14 multiple types. Also called: CATARACT 14, ZONULAR PULVERULENT; CATARACT 14, NUCLEAR PULVERULENT; CATARACT 14, NUCLEAR PULVERULENT AND POSTERIOR POLAR; CATARACT 14, NUCLEAR CORALLIFORM; CATARACT 14, EMBRYONAL NUCLEAR; CATARACT 14, COPPOCK-LIKE. Identifiers: Orphanet 91492, MedGen C1866078, MONDO:0011162, OMIM 601885.

Allele frequency attached by ClinVar (database versions not stated): ExAC 0.00092; gnomAD exomes 0.00113 and 0.00525; gnomAD 0.00171 and 0.00133; 1000 Genomes Project 30x 0.00422; TOPMed 0.00283; 1000 Genomes Project 0.00519.

Submissions (2):

GeneDx
Classification: Likely benign. Last evaluated: 2020-02-24. Review status: criteria provided, single submitter. Criteria: GeneDx Variant Classification Process June 2021. Collection method: clinical testing. Allele origin: germline. Affected: yes.
Comment: See Variant Classification Assertion Criteria.

Illumina Laboratory Services, Illumina
Classification: Benign for Cataract 14 multiple types. Last evaluated: 2018-01-13. Review status: criteria provided, single submitter. Criteria: ICSL Variant Classification Criteria 13 December 2019. Collection method: clinical testing. Allele origin: germline.
Comment: This variant was observed in the ICSL laboratory as part of a predisposition screen in an ostensibly healthy population. It had not been previously curated by ICSL or reported in the Human Gene Mutation Database (HGMD: prior to June 1st, 2018), and was therefore a candidate for classification through an automated scoring system. Utilizing variant allele frequency, disease prevalence and penetrance estimates, and inheritance mode, an automated score was calculated to assess if this variant is too frequent to cause the disease. Based on the score and internal cut-off values, a variant classified as benign is not then subjected to further curation. The score for this variant resulted in a classification of benign for this disease.